The following is an entry in ClinVar:

NM_018026.4(PACS1):c.401T>G (p.Met134Arg)

Gene: PACS1 (phosphofurin acidic cluster sorting protein 1; plus strand). Cytogenetic location: 11q13.2.
Variant type: single nucleotide variant.
Coding change: c.401T>G on transcript NM_018026.4 (MANE Select); coding-DNA position 401, T replaced by G.
Protein change: p.Met134Arg; replaces methionine 134 with arginine.
Molecular consequence: missense variant.
Genome position (GRCh38, 1-based): chr11:66,193,530, T>G. VCF-style: chr11-66193530-T-G. GRCh37 (hg19) VCF-style: chr11-65961001-T-G.
Other names: short protein forms M134R.
Identifiers: ClinVar variation 3689808 (VCV003689808.2).

ClinVar aggregate classification (germline): Uncertain significance (1 of 4 stars; one submission).

Conditions:
Schuurs-Hoeijmakers syndrome. Also called: PACS1-Related Neurodevelopmental Disorder. Identifiers: Orphanet 329224, MedGen C3554343, MONDO:0014006, OMIM 615009.

Submission:

Labcorp Genetics (formerly Invitae), Labcorp
Classification: Uncertain significance for Schuurs-Hoeijmakers syndrome. Last evaluated: 2024-11-19. Review status: criteria provided, single submitter. Criteria: Invitae Variant Classification Sherloc (09022015). Collection method: clinical testing. Allele origin: germline.
Comment: This sequence change replaces methionine, which is neutral and non-polar, with arginine, which is basic and polar, at codon 134 of the PACS1 protein (p.Met134Arg). This variant is not present in population databases (gnomAD no frequency). This variant has not been reported in the literature in individuals affected with PACS1-related conditions. Invitae Evidence Modeling of protein sequence and biophysical properties (such as structural, functional, and spatial information, amino acid conservation, physicochemical variation, residue mobility, and thermodynamic stability) indicates that this missense variant is expected to disrupt PACS1 protein function with a positive predictive value of 80%. In summary, the available evidence is currently insufficient to determine the role of this variant in disease. Therefore, it has been classified as a Variant of Uncertain Significance.